The following is an entry in ClinVar:

ClinVar aggregate classification (germline): Conflicting classifications of pathogenicity. Review status: criteria provided, conflicting classifications (1 of 4 stars). 10 submissions from 9 submitters: Uncertain significance (1); Likely benign (8). 1 of the submissions does not count toward it. Last evaluated 2026-03-01.

Conditions:
Inborn genetic diseases. Identifiers: MedGen C0950123, MeSH D030342.
COL4A1-related disorder. Also called: COL4A1-related condition; COL4A1-related disorders. Identifiers: MedGen CN376119, MONDO:0800461.
Brain small vessel disease 1 with or without ocular anomalies (BSVD1). Also called: BRAIN SMALL VESSEL DISEASE WITH HEMORRHAGE; PORENCEPHALY, TYPE 1, AUTOSOMAL DOMINANT; GOULD SYNDROME 1; Brain small vessel disease with or without ocular anomalies. Identifiers: Orphanet 2940, Orphanet 36383, Orphanet 99810, MedGen C4755307, MONDO:0008289, OMIM 175780.
Autosomal dominant familial hematuria-retinal arteriolar tortuosity-contractures syndrome. Also called: Hereditary Angiopathy with Nephropathy, Aneurysms, and Muscle Cramps (HANAC) Syndrome; Angiopathy, hereditary, with nephropathy, aneurysms, and muscle cramps. Identifiers: Orphanet 73229, MedGen C2673195, MONDO:0012726, OMIM 611773.

Allele frequency attached by ClinVar (database versions not stated): 1000 Genomes Project 30x 0.00016; 1000 Genomes Project 0.00020; gnomAD 0.00021 and 0.00023; gnomAD exomes 0.00021 and 0.00033; TOPMed 0.00022; ExAC 0.00023; ESP Exome Variant Server 0.00023.
gnomAD v4.1: 523 of 1,614,218 alleles (0.032%); highest among the groups gnomAD compares: South Asian, 0.052%; 2 homozygotes.

Submissions (10):

CeGaT Center for Human Genetics Tuebingen
Classification: Likely benign. Last evaluated: 2026-03-01. Review status: criteria provided, single submitter. Criteria: CeGaT Center For Human Genetics Tuebingen Variant Classification Criteria Version 2. Collection method: clinical testing. Allele origin: germline. Affected: yes. Observed: 5 variant alleles.
Comment: COL4A1: PP3, BS2

Labcorp Genetics (formerly Invitae), Labcorp
Classification: Likely benign. Last evaluated: 2026-01-24. Review status: criteria provided, single submitter. Criteria: Invitae Variant Classification Sherloc (09022015). Collection method: clinical testing. Allele origin: germline.

Mayo Clinic Laboratories, Mayo Clinic
Classification: Likely benign. Last evaluated: 2024-12-06. Review status: criteria provided, single submitter. Criteria: ACMG Guidelines, 2015. Collection method: clinical testing. Allele origin: germline. Observed: 1 variant allele.
Comment: BS1, BS2_supporting

Blueprint Genetics
Classification: Likely benign. Last evaluated: 2024-10-15. Review status: criteria provided, single submitter. Criteria: ACMG Guidelines, 2015. Collection method: clinical testing. Allele origin: germline.

GeneDx
Classification: Uncertain significance. Last evaluated: 2024-09-30. Review status: criteria provided, single submitter. Criteria: GeneDx Variant Classification Process June 2021. Collection method: clinical testing. Allele origin: germline. Affected: yes.
Comment: Reported in an individual with Marfan syndrome who also harbors a de novo pathogenic variant in the FBN1 gene (PMID: 30087447) and reported in association with intracerebral hemorrhage (PMID: 34031201); In silico analysis indicates that this missense variant does not alter protein structure/function; This variant is associated with the following publications: (PMID: 34031201, 35711275, 34220303, 30087447)

Revvity Omics, Revvity
Classification: Likely benign. Last evaluated: 2024-02-16. Review status: criteria provided, single submitter. Criteria: ACMG Guidelines, 2015. Collection method: clinical testing. Allele origin: germline.

Ambry Genetics
Classification: Likely benign for Inborn genetic diseases. Last evaluated: 2021-08-26. Review status: criteria provided, single submitter. Criteria: Ambry Variant Classification Scheme 2023. Collection method: clinical testing. Allele origin: germline.

Illumina Laboratory Services, Illumina
Classification: Likely benign for Autosomal dominant familial hematuria-retinal arteriolar tortuosity-contractures syndrome. Last evaluated: 2018-01-12. Review status: criteria provided, single submitter. Criteria: ICSL Variant Classification Criteria 13 December 2019. Collection method: clinical testing. Allele origin: germline.
Comment: This variant was observed in the ICSL laboratory as part of a predisposition screen in an ostensibly healthy population. It had not been previously curated by ICSL or reported in the Human Gene Mutation Database (HGMD: prior to June 1st, 2018), and was therefore a candidate for classification through an automated scoring system. Utilizing variant allele frequency, disease prevalence and penetrance estimates, and inheritance mode, an automated score was calculated to assess if this variant is too frequent to cause the disease. Based on the score and internal cut-off values, a variant classified as likely benign is not then subjected to further curation. The score for this variant resulted in a classification of likely benign for this disease.

Illumina Laboratory Services, Illumina
Classification: Likely benign for Brain small vessel disease 1 with or without ocular anomalies. Last evaluated: 2018-01-12. Review status: criteria provided, single submitter. Criteria: ICSL Variant Classification Criteria 13 December 2019. Collection method: clinical testing. Allele origin: germline.
Comment: the same text as in the submission from Illumina Laboratory Services, Illumina above.

PreventionGenetics, part of Exact Sciences
Classification: Likely benign for COL4A1-related condition. Last evaluated: 2024-03-28. Review status: no assertion criteria provided. Collection method: clinical testing. Allele origin: germline. Not counted in ClinVar's aggregate classification.
Comment: This variant is classified as likely benign based on ACMG/AMP sequence variant interpretation guidelines (Richards et al. 2015 PMID: 25741868, with internal and published modifications).

Literature cited by the submitters: PubMed 30087447 (cited by Mayo Clinic Laboratories, Mayo Clinic); PubMed 34031201 (cited by Mayo Clinic Laboratories, Mayo Clinic).

NM_001845.6(COL4A1):c.329T>C (p.Ile110Thr)

Gene: COL4A1 (collagen type IV alpha 1 chain; minus strand). Cytogenetic location: 13q34.
Variant type: single nucleotide variant.
Coding change: c.329T>C on transcript NM_001845.6 (MANE Select); coding-DNA position 329, T replaced by C.
Protein change: p.Ile110Thr; replaces isoleucine 110 with threonine.
Molecular consequence: missense variant.
Genome position (GRCh38, 1-based): chr13:110,212,475, A>G on the plus strand (T>C on the coding strand, the complement: COL4A1 is on the minus strand). VCF-style: chr13-110212475-A-G. GRCh37 (hg19) VCF-style: chr13-110864822-A-G.
Other names: p.Ile110Thr; c.329T>C, p.Ile110Thr (NM_001303110.2); c.329T>C (NM_001845.5); short protein forms I110T.
Identifiers: ClinVar variation 311081 (VCV000311081.48), dbSNP rs138269346, ClinGen allele CA7048557.